The following is an entry in ClinVar:

ClinVar aggregate classification (germline): Pathogenic/Likely pathogenic. Review status: criteria provided, multiple submitters, no conflicts (2 of 4 stars). 9 submissions from 9 submitters: Pathogenic (8); Likely pathogenic (1). Last evaluated 2022-08-18.

Conditions:
ARID1B-related BAFopathy.
Inborn genetic diseases. Identifiers: MedGen C0950123, MeSH D030342.
Coffin-Siris syndrome 1 (CSS1). Also called: ARID1B-Related Coffin-Siris Syndrome; Mental retardation, autosomal dominant 12. Identifiers: Orphanet 1465, MedGen C3281201, MONDO:0007617, OMIM 135900. Disease mechanism: gain of function.

Submissions (9):

GeneDx
Classification: Pathogenic. Last evaluated: 2022-08-18. Review status: criteria provided, single submitter. Criteria: GeneDx Variant Classification Process June 2021. Collection method: clinical testing. Allele origin: germline. Affected: yes.
Comment: Frameshift variant predicted to result in protein truncation or nonsense mediated decay in a gene for which loss-of-function is a known mechanism of disease; Not observed at significant frequency in large population cohorts (gnomAD); This variant is associated with the following publications: (PMID: 23906836, 23160955, 25249037, 28191890, 31332282, 31981491, 25363768, 30349098, 31526516, 31785789)

Broad Center for Mendelian Genomics, Broad Institute of MIT and Harvard
Classification: Pathogenic for Coffin-Siris syndrome 1. Last evaluated: 2022-05-04. Review status: criteria provided, single submitter. Criteria: ACMG Guidelines, 2015. Collection method: curation. Allele origin: germline. Inheritance: Autosomal dominant inheritance.
Comment: Trio exome analysis showed this variant to be de novo. This variant is assumed de novo in another individual, but maternity and paternity have not been confirmed (PMID: 23906836). The variant was absent from large population studies, and has been reported in ClinVar (Variation ID: 694703) as pathogenic by Institute for Genomic Statistics and Bioinformatics, University Hospital Bonn. This variant is predicted to cause a frameshift, which alters the protein’s amino acid sequence beginning at position 1196 and leads to a premature termination codon 14 amino acids downstream. This alteration is then predicted to lead to a truncated or absent protein. Heterozygous loss of function of ARID1B is an established disease mechanism in Coffin-Siris syndrome 1. In summary, this variant meets criteria to be classified as pathogenic for Coffin-Siris syndrome 1 in an autosomal dominant manner based on the predicted impact of the variant, its absence from control populations, and its de novo status. ACMG/AMP Criteria applied: PVS1, PS2, PM2 (Richards 2015).

Victorian Clinical Genetics Services, Murdoch Childrens Research Institute
Classification: Pathogenic for Coffin-Siris syndrome 1. Last evaluated: 2022-02-02. Review status: criteria provided, single submitter. Criteria: ACMG Guidelines, 2015. Collection method: clinical testing. Allele origin: germline. Inheritance: Autosomal dominant inheritance.
Comment: Based on the classification scheme VCGS_Germline_v1.3.4, this variant is classified as Pathogenic. Following criteria are met: 0102 - Loss of function is a known mechanism of disease in this gene and is associated with Coffin-Siris syndrome (MIM#135900). (I) 0107 - This gene is associated with autosomal dominant disease. (I) 0201 - Variant is predicted to cause nonsense-mediated decay (NMD) and loss of protein (premature termination codon is located at least 54 nucleotides upstream of the final exon-exon junction). (SP) 0251 - This variant is heterozygous. (I) 0301 - Variant is absent from gnomAD (both v2 and v3). (SP) 0701 - Other NMD predicted variants comparable to the one identified in this case have very strong previous evidence for pathogenicity (DECIPHER). (SP) 0801 - This variant has strong previous evidence of pathogenicity in unrelated individuals. This variant has been observed in at least five unrelated individuals with Coffin-Siris syndrome (MIM#135900), including two de novo reports (ClinVar, PMIDs: 31164752, 23906836). (SP) 1208 - Inheritance information for this variant is not currently available in this individual. (I) Legend: (SP) - Supporting pathogenic, (I) - Information, (SB) - Supporting benign

Genome-Nilou Lab
Classification: Pathogenic for Coffin-Siris syndrome 1. Last evaluated: 2021-07-15. Review status: criteria provided, single submitter. Criteria: ACMG Guidelines, 2015. Collection method: clinical testing. Allele origin: germline. Affected: no.

Baylor Genetics
Classification: Pathogenic for ARID1B-related BAFopathy. Last evaluated: 2021-06-10. Review status: criteria provided, single submitter. Criteria: ACMG Guidelines, 2015. Collection method: clinical testing. Allele origin: de novo. Affected: yes.

Revvity Omics, Revvity
Classification: Pathogenic for Coffin-Siris syndrome 1. Last evaluated: 2020-12-15. Review status: criteria provided, single submitter. Criteria: ACMG Guidelines, 2015. Collection method: clinical testing. Allele origin: germline.

Institute of Human Genetics, University of Leipzig Medical Center
Classification: Likely pathogenic for Coffin-Siris syndrome 1. Last evaluated: 2019-11-18. Review status: criteria provided, single submitter. Criteria: ACMG Guidelines, 2015. Collection method: clinical testing. Allele origin: germline. Affected: yes. Observed: 1 variant allele.

Ambry Genetics
Classification: Pathogenic for Inborn genetic diseases. Last evaluated: 2018-09-21. Review status: criteria provided, single submitter. Criteria: Ambry Variant Classification Scheme 2023. Collection method: clinical testing. Allele origin: germline.
Comment: The c.3586dupC pathogenic mutation, located in coding exon 14 of the ARID1B gene, results from a duplication of C at nucleotide position 3586, causing a translational frameshift with a predicted alternate stop codon (p.Q1196Pfs*14). This alteration has been detected as de novo occurrences in individuals with Nicolaides&ndash;Baraitser syndrome or Coffin&ndash;Siris syndrome (Wieczorek D et al. Hum. Mol. Genet., 2013 Dec;22:5121-35; Mari F et al. Brain Dev., 2015 May;37:527-36) as well as in individuals with autism spectrum disorder (O'Roak BJ et al. Science, 2012 Dec;338:1619-22). In addition to the clinical data presented in the literature, this alteration is expected to result in loss of function by premature protein truncation or nonsense-mediated mRNA decay. As such, this alteration is interpreted as a disease-causing mutation.

Institute for Genomic Statistics and Bioinformatics, University Hospital Bonn
Classification: Pathogenic for Coffin-Siris syndrome 1. Review status: criteria provided, single submitter. Criteria: ACMG Guidelines, 2015. Collection method: clinical testing. Allele origin: unknown. Affected: yes. Observed: 1 variant allele.

Literature cited by the submitters: PubMed 23906836 (cited by Victorian Clinical Genetics Services, Murdoch Childrens Research Institute and Ambry Genetics); PubMed 31164752 (cited by Victorian Clinical Genetics Services, Murdoch Childrens Research Institute); PubMed 23160955 (cited by Ambry Genetics); PubMed 25249037 (cited by Ambry Genetics); PubMed 25363768 (cited by Ambry Genetics).

NM_001374828.1(ARID1B):c.3955dup (p.Gln1319fs)

Gene: ARID1B (AT-rich interaction domain 1B; plus strand). Cytogenetic location: 6q25.3.
Variant type: Duplication.
Coding change: c.3955dup on transcript NM_001374828.1 (MANE Select); coding-DNA position 3955, one base duplicated (C; older notation c.3955dupC).
Protein change: p.Gln1319fs; shifts the reading frame from glutamine 1319.
Molecular consequence: frameshift variant.
Genome position (GRCh38, 1-based): chr6:157,189,677, C duplicated; the last of 6 consecutive C bases (chr6:157,189,672-157,189,677); duplicating any one gives the same sequence. VCF-style (leftmost placement, unchanged base first): chr6-157189671-A-AC. GRCh37 (hg19) VCF-style: chr6-157510805-A-AC.
Other names: NM_001374828.1(ARID1B):c.3955dup; p.Gln1319fs; c.3835dup, p.Gln1279fs (NM_001371656.1, NM_001374820.1); c.3796dup, p.Gln1266fs (NM_017519.3); c.3706dup (NM_001346813.1); c.3586dup (NM_020732.3); c.3586dupC (NM_020732.3); c.1456dup, p.Gln486fs (NM_001363725.2); short protein forms Q1319fs, Q1266fs, Q486fs, Q1279fs.
Identifiers: ClinVar variation 694703 (VCV000694703.16), dbSNP rs1289067120, ClinGen allele CA571903941.